The following is an entry in ClinVar:

NM_004168.4(SDHA):c.1695C>G (p.Thr565=)

Gene: SDHA (succinate dehydrogenase complex flavoprotein subunit A; plus strand). Cytogenetic location: 5p15.33.
Variant type: single nucleotide variant.
Coding change: c.1695C>G on transcript NM_004168.4 (MANE Select); coding-DNA position 1695, C replaced by G.
Protein change: p.Thr565=; no amino-acid change (threonine 565 retained).
Molecular consequence: synonymous variant. On other transcripts: intron variant (1).
Genome position (GRCh38, 1-based): chr5:251,369, C>G. VCF-style: chr5-251369-C-G. GRCh37 (hg19) VCF-style: chr5-251484-C-G.
Other names: c.1551C>G, p.Thr517= (NM_001294332.2); c.1552-3024C>G (NM_001330758.2).
Identifiers: ClinVar variation 1116519 (VCV001116519.12), dbSNP rs765113103, ClinGen allele CA3173338.
Genomic context (GRCh38, chr5:251,369, plus strand): 5'-GCCCCTGATGGAACTTTTTGTGTCCCCAGGAATGGTCTGGAACACGGACCTGGTGGAGAC[C>G]CTGGAGCTGCAGAACCTGATGCTGTGTGCGCTGCAGACCATCTACGGAGCAGAGGCACGG-3'
Protein context (NP_004159.2, residues 555-575): GMVWNTDLVE[Thr565=]LELQNLMLCA

ClinVar aggregate classification (germline): Benign/Likely benign. Review status: criteria provided, multiple submitters, no conflicts (2 of 4 stars). 3 submissions from 3 submitters: Benign (1); Likely benign (2). Last evaluated 2025-03-11.

Conditions:
Pheochromocytoma/paraganglioma syndrome 5. Also called: Paragangliomas 5; SDHA-Related Hereditary Paraganglioma-Pheochromocytoma Syndrome. Identifiers: Orphanet 29072, MedGen C3279992, MONDO:0013602, OMIM 614165.
Mitochondrial complex II deficiency, nuclear type 1. Also called: SUCCINATE CoQ REDUCTASE DEFICIENCY. Identifiers: Orphanet 3208, MedGen C5700310, MONDO:0100294, OMIM 252011.
Hereditary cancer-predisposing syndrome. Also called: Tumor predisposition; Neoplastic Syndromes, Hereditary; Hereditary Cancer Syndrome; Hereditary neoplastic syndrome. Identifiers: Orphanet 140162, MedGen C0027672, MeSH D009386, MONDO:0015356.

Allele frequency attached by ClinVar (database versions not stated): ExAC 0.00001; gnomAD exomes 0.00001.
gnomAD v4.1: 4 of 1,613,694 alleles (0.00025%); highest among the groups gnomAD compares: South Asian, 0.0033%; no homozygotes.

Submissions (3):

Myriad Genetics, Inc.
Classification: Benign for Pheochromocytoma/paraganglioma syndrome 5. Last evaluated: 2025-03-11. Review status: criteria provided, single submitter. Criteria: Myriad Autosomal Dominant, Autosomal Recessive and X-Linked Classification Criteria (2023). Collection method: clinical testing. Allele origin: unknown.
Comment: This variant is considered benign. This variant is a silent/synonymous amino acid change and it is not expected to impact splicing.

Labcorp Genetics (formerly Invitae), Labcorp
Classification: Likely benign for Pheochromocytoma/paraganglioma syndrome 5; Mitochondrial complex II deficiency, nuclear type 1. Last evaluated: 2023-06-13. Review status: criteria provided, single submitter. Criteria: Invitae Variant Classification Sherloc (09022015). Collection method: clinical testing. Allele origin: germline.

Ambry Genetics
Classification: Likely benign for Hereditary cancer-predisposing syndrome. Last evaluated: 2021-04-05. Review status: criteria provided, single submitter. Criteria: Ambry Variant Classification Scheme 2023. Collection method: clinical testing. Allele origin: germline.